The following is an entry in ClinVar:

NM_005732.4(RAD50):c.1052-2A>C

Gene: RAD50 (RAD50 double strand break repair protein; plus strand). Cytogenetic location: 5q31.1.
Variant type: single nucleotide variant.
Coding change: c.1052-2A>C on transcript NM_005732.4 (MANE Select); the canonical splice acceptor site of the intron before coding-DNA position 1052, A replaced by C.
Molecular consequence: splice acceptor variant.
Genome position (GRCh38, 1-based): chr5:132,588,685, A>C. VCF-style: chr5-132588685-A-C. GRCh37 (hg19) VCF-style: chr5-131924377-A-C.
Identifiers: ClinVar variation 234249 (VCV000234249.16), dbSNP rs876660957, ClinGen allele CA10578511.

ClinVar aggregate classification (germline): Likely pathogenic. Review status: criteria provided, multiple submitters, no conflicts (2 of 4 stars). 3 submissions from 3 submitters: Likely pathogenic (3). Last evaluated 2024-06-14.

Conditions:
Hereditary cancer-predisposing syndrome. Also called: Neoplastic Syndromes, Hereditary; Tumor predisposition; Hereditary Cancer Syndrome; Hereditary neoplastic syndrome. Identifiers: Orphanet 140162, MedGen C0027672, MeSH D009386, MONDO:0015356.
Nijmegen breakage syndrome-like disorder (NBSLD). Also called: MICROCEPHALY AND SPONTANEOUS CHROMOSOME INSTABILITY WITHOUT IMMUNODEFICIENCY; NBS-LIKE DISORDER; RAD50 DEFICIENCY. Identifiers: Orphanet 240760, MedGen C2751318, MONDO:0013118, OMIM 613078.

Allele frequency attached by ClinVar (database versions not stated): gnomAD 0.00001.
gnomAD v4.1: 6 of 1,608,466 alleles (0.00037%); highest among the groups gnomAD compares: Non-Finnish European, 0.00051%; no homozygotes.

Submissions (3):

Ambry Genetics
Classification: Likely pathogenic for Hereditary cancer-predisposing syndrome. Last evaluated: 2024-06-14. Review status: criteria provided, single submitter. Criteria: Ambry Variant Classification Scheme 2023. Collection method: clinical testing. Allele origin: germline.
Comment: The c.1052-2A>C intronic variant results from an A to C substitution two nucleotides upstream from coding exon 8 in the RAD50 gene. This variant is considered to be rare based on population cohorts in the Genome Aggregation Database (gnomAD). This nucleotide position is highly conserved in available vertebrate species. In silico splice site analysis predicts that this alteration will weaken the native splice acceptor site and will result in the creation or strengthening of a novel splice acceptor site. RNA studies have demonstrated that this alteration results in abnormal splicing in the set of samples tested (Ambry internal data). Alterations that disrupt the canonical splice site are expected to cause aberrant splicing, resulting in an abnormal protein or a transcript that is subject to nonsense-mediated mRNA decay. As such, this alteration is classified as likely pathogenic.

Labcorp Genetics (formerly Invitae), Labcorp
Classification: Likely pathogenic for Hereditary cancer-predisposing syndrome. Last evaluated: 2024-04-15. Review status: criteria provided, single submitter. Criteria: Invitae Variant Classification Sherloc (09022015). Collection method: clinical testing. Allele origin: germline.
Comment: This sequence change affects an acceptor splice site in intron 7 of the RAD50 gene. RNA analysis indicates that disruption of this splice site induces altered splicing and may result in an absent or disrupted protein product. This variant is present in population databases (no rsID available, gnomAD 0.007%). Disruption of this splice site has been observed in individual(s) with pancreatic adenocarcinoma (PMID: 30067863). ClinVar contains an entry for this variant (Variation ID: 234249). Studies have shown that disruption of this splice site results in activation of a cryptic splice site and introduces a premature termination codon (Invitae). The resulting mRNA is expected to undergo nonsense-mediated decay. In summary, the currently available evidence indicates that the variant is pathogenic, but additional data are needed to prove that conclusively. Therefore, this variant has been classified as Likely Pathogenic.

Baylor Genetics
Classification: Likely pathogenic for Nijmegen breakage syndrome-like disorder. Last evaluated: 2022-10-18. Review status: criteria provided, single submitter. Criteria: ACMG Guidelines, 2015. Collection method: clinical testing. Allele origin: unknown.

Literature cited by the submitters: PubMed 30067863 (cited by Ambry Genetics and Labcorp Genetics (formerly Invitae), Labcorp).